The following is an entry in ClinVar:

NM_003922.4(HERC1):c.10894A>G (p.Met3632Val)

Gene: HERC1 (HECT and RLD domain containing E3 ubiquitin protein ligase family member 1; minus strand). Cytogenetic location: 15q22.31.
Variant type: single nucleotide variant.
Coding change: c.10894A>G on transcript NM_003922.4 (MANE Select); coding-DNA position 10894, A replaced by G.
Protein change: p.Met3632Val; replaces methionine 3632 with valine.
Molecular consequence: missense variant.
Genome position (GRCh38, 1-based): chr15:63,645,667, T>C on the plus strand (A>G on the coding strand, the complement: HERC1 is on the minus strand). VCF-style: chr15-63645667-T-C. GRCh37 (hg19) VCF-style: chr15-63937866-T-C.
Other names: short protein forms M3632V.
Identifiers: ClinVar variation 1804375 (VCV001804375.1), dbSNP rs2551077835, ClinGen allele CA392751101.

ClinVar aggregate classification (germline): Uncertain significance (1 of 4 stars; one submission).

Allele frequency attached by ClinVar (database versions not stated): gnomAD exomes below 0.00001.
gnomAD v4.1: 1 of 1,585,662 alleles (0.000063%); highest among the groups gnomAD compares: Non-Finnish European, 0.000086%; no homozygotes.

Submission:

GeneDx
Classification: Uncertain significance. Last evaluated: 2022-06-14. Review status: criteria provided, single submitter. Criteria: GeneDx Variant Classification Process June 2021. Collection method: clinical testing. Allele origin: germline. Affected: yes.
Comment: Not observed at significant frequency in large population cohorts (gnomAD); In silico analysis supports that this missense variant does not alter protein structure/function; Has not been previously published as pathogenic or benign to our knowledge